The following is an entry in ClinVar:

ClinVar aggregate classification (germline): Uncertain significance (1 of 4 stars; one submission).

Conditions:
Congenital myotonia, autosomal dominant form (THD). Also called: THOMSEN DISEASE; Myotonia congenita autosomal dominant. Identifiers: Orphanet 614, MedGen C2936781, MONDO:0008055, OMIM 160800.
Congenital myotonia, autosomal recessive form. Also called: BECKER DISEASE; Becker Generalized Myotonia; myotonia congenita, autosomal recessive. Identifiers: Orphanet 614, MedGen C0751360, MONDO:0009715, OMIM 255700.

gnomAD v4.1: 4 of 1,613,502 alleles (0.00025%); highest among the groups gnomAD compares: African/African-American, 0.0053%; no homozygotes.

Submission:

Labcorp Genetics (formerly Invitae), Labcorp
Classification: Uncertain significance for Congenital myotonia, autosomal recessive form; Congenital myotonia, autosomal dominant form. Last evaluated: 2025-07-22. Review status: criteria provided, single submitter. Criteria: Invitae Variant Classification Sherloc (09022015). Collection method: clinical testing. Allele origin: germline.
Comment: This sequence change replaces proline, which is neutral and non-polar, with threonine, which is neutral and polar, at codon 20 of the CLCN1 protein (p.Pro20Thr). This variant is present in population databases (no rsID available, gnomAD 0.008%). This variant has not been reported in the literature in individuals affected with CLCN1-related conditions. Invitae Evidence Modeling of protein sequence and biophysical properties (such as structural, functional, and spatial information, amino acid conservation, physicochemical variation, residue mobility, and thermodynamic stability) has been performed for this missense variant. However, the output from this modeling did not meet the statistical confidence thresholds required to predict the impact of this variant on CLCN1 protein function. In summary, the available evidence is currently insufficient to determine the role of this variant in disease. Therefore, it has been classified as a Variant of Uncertain Significance.

NM_000083.3(CLCN1):c.58C>A (p.Pro20Thr)

Gene: CLCN1 (chloride voltage-gated channel 1; plus strand). Cytogenetic location: 7q34.
Variant type: single nucleotide variant.
Coding change: c.58C>A on transcript NM_000083.3 (MANE Select); coding-DNA position 58, C replaced by A.
Protein change: p.Pro20Thr; replaces proline 20 with threonine.
Molecular consequence: missense variant. On other transcripts: non-coding transcript variant (1).
Genome position (GRCh38, 1-based): chr7:143,316,270, C>A. VCF-style: chr7-143316270-C-A. GRCh37 (hg19) VCF-style: chr7-143013363-C-A.
Other names: short protein forms P20T.
Identifiers: ClinVar variation 4788002 (VCV004788002.1).
Genomic context (GRCh38, chr7:143,316,270, plus strand): 5'-AATATGGAGCAATCCCGGTCACAGCAGCGTGGGGGTGAACAAAGCTGGTGGGGTAGTGAC[C>A]CCCAGTACCAGTATATGCCCTTTGAACACTGCACCAGCTACGGACTGCCCTCTGAGAATG-3'
Protein context (NP_000074.3, residues 10-30): GGEQSWWGSD[Pro20Thr]QYQYMPFEHC